The following is an entry in ClinVar:

ClinVar aggregate classification (germline): Likely benign. Review status: criteria provided, multiple submitters, no conflicts (2 of 4 stars). 3 submissions from 3 submitters: Likely benign (2). 1 of the submissions does not count toward it. Last evaluated 2025-03-10.

Conditions:
TMEM138-related disorder. Also called: TMEM138-related condition.
Joubert syndrome 16 (JBTS16). Identifiers: Orphanet 2318, MedGen C3280906, MONDO:0013764, OMIM 614465.

Allele frequency attached by ClinVar (database versions not stated): gnomAD exomes below 0.00001; gnomAD 0.00001; ExAC 0.00002; TOPMed 0.00005.
gnomAD v4.1: 10 of 1,604,334 alleles (0.00062%); highest among the groups gnomAD compares: Admixed American, 0.0086%; no homozygotes.

Submissions (3):

Labcorp Genetics (formerly Invitae), Labcorp
Classification: Likely benign for Joubert syndrome 16. Last evaluated: 2025-03-10. Review status: criteria provided, single submitter. Criteria: Invitae Variant Classification Sherloc (09022015). Collection method: clinical testing. Allele origin: germline.

Blueprint Genetics
Classification: Likely benign. Last evaluated: 2024-08-14. Review status: criteria provided, single submitter. Criteria: ACMG Guidelines, 2015. Collection method: clinical testing. Allele origin: germline.

PreventionGenetics, part of Exact Sciences
Classification: Likely benign for TMEM138-related condition. Last evaluated: 2019-06-24. Review status: no assertion criteria provided. Collection method: clinical testing. Allele origin: germline. Not counted in ClinVar's aggregate classification.
Comment: This variant is classified as likely benign based on ACMG/AMP sequence variant interpretation guidelines (Richards et al. 2015 PMID: 25741868, with internal and published modifications).

NM_016464.5(TMEM138):c.129-10A>G

Gene: TMEM138 (transmembrane protein 138; plus strand). Cytogenetic location: 11q12.2.
Variant type: single nucleotide variant.
Coding change: c.129-10A>G on transcript NM_016464.5 (MANE Select); 10 bases into the intron before coding-DNA position 129, A replaced by G.
Molecular consequence: intron variant.
Genome position (GRCh38, 1-based): chr11:61,366,035, A>G. VCF-style: chr11-61366035-A-G. GRCh37 (hg19) VCF-style: chr11-61133507-A-G.
Other names: c.-46-10A>G (NM_001330281.2); c.129-10A>G (NM_016464.4).
Identifiers: ClinVar variation 2197757 (VCV002197757.7), dbSNP rs767269480, ClinGen allele CA6034544.